The following is an entry in ClinVar:

ClinVar aggregate classification (germline): Pathogenic (1 of 4 stars; one submission).

Conditions:
Deficiency of hyaluronoglucosaminidase (MPS9). Also called: MPS IX; HYALURONIDASE DEFICIENCY; Mucopolysaccharidosis type 9. Identifiers: Orphanet 67041, MedGen C1291490, MONDO:0011093, OMIM 601492.

Submission:

Labcorp Genetics (formerly Invitae), Labcorp
Classification: Pathogenic for Deficiency of hyaluronoglucosaminidase. Last evaluated: 2023-11-14. Review status: criteria provided, single submitter. Criteria: Invitae Variant Classification Sherloc (09022015). Collection method: clinical testing. Allele origin: germline.
Comment: This sequence change creates a premature translational stop signal (p.Tyr84Thrfs*19) in the HYAL1 gene. It is expected to result in an absent or disrupted protein product. Loss-of-function variants in HYAL1 are known to be pathogenic (PMID: 10339581, 21559944). This variant is not present in population databases (gnomAD no frequency). This variant has not been reported in the literature in individuals affected with HYAL1-related conditions. For these reasons, this variant has been classified as Pathogenic.

Literature cited by the submitters: PubMed 10339581; PubMed 21559944.

NM_033159.4(HYAL1):c.250del (p.Tyr84fs)

Gene: HYAL1 (hyaluronidase 1; minus strand). Cytogenetic location: 3p21.31.
Variant type: Deletion.
Coding change: c.250del on transcript NM_033159.4 (MANE Select); coding-DNA position 250, one base deleted (T; older notation c.250delT).
Protein change: p.Tyr84fs; shifts the reading frame from tyrosine 84.
Molecular consequence: frameshift variant. On other transcripts: non-coding transcript variant (1), intron variant (2).
Genome position (GRCh38, 1-based): chr3:50,302,707, A deleted on the plus strand (T on the coding strand, the reverse complement: HYAL1 is on the minus strand). VCF-style (leftmost placement, unchanged base first): chr3-50302706-TA-T. GRCh37 (hg19) VCF-style: chr3-50340137-TA-T.
Other names: c.250delT, p.Tyr84Thrfs (NM_007312.3); c.250del, p.Tyr84fs (NM_153281.2, NM_153282.3); c.-26-502del (NM_153285.3); c.-213-84del (NM_153283.3); short protein forms Y84fs.
Identifiers: ClinVar variation 2695909 (VCV002695909.3), dbSNP rs2470852170, ClinGen allele CA2697550975.